The following is an entry in ClinVar:

ClinVar aggregate classification (germline): Uncertain significance. Review status: criteria provided, multiple submitters, no conflicts (2 of 4 stars). 2 submissions from 2 submitters: Uncertain significance (2). Last evaluated 2019-11-26.

Conditions:
Hereditary cancer-predisposing syndrome. Also called: Neoplastic Syndromes, Hereditary; Tumor predisposition; Hereditary neoplastic syndrome; Hereditary Cancer Syndrome. Identifiers: Orphanet 140162, MedGen C0027672, MeSH D009386, MONDO:0015356.
Familial adenomatous polyposis 1 (FAP1). Also called: FAMILIAL ADENOMATOUS POLYPOSIS 1, ATTENUATED; POLYPOSIS, ADENOMATOUS INTESTINAL. Identifiers: MedGen C2713442, MONDO:0021056, OMIM 175100. Disease mechanism: loss of function.

Submissions (2):

Color Diagnostics, LLC DBA Color Health
Classification: Uncertain significance for Hereditary cancer-predisposing syndrome. Last evaluated: 2019-11-26. Review status: criteria provided, single submitter. Criteria: ACMG Guidelines, 2015. Collection method: clinical testing. Allele origin: germline.
Comment: This missense variant replaces alanine with proline at codon 2795 of the APC protein. Computational prediction suggests that this variant may not impact protein structure and function (internally defined REVEL score threshold <= 0.5, PMID: 27666373). Splice site prediction tools suggest that this variant may not impact RNA splicing. To our knowledge, functional studies have not been performed for this variant. This variant has not been reported in individuals affected with hereditary cancer in the literature. This variant has not been identified in the general population by the Genome Aggregation Database (gnomAD). The available evidence is insufficient to determine the role of this variant in disease conclusively. Therefore, this variant is classified as a Variant of Uncertain Significance.

Labcorp Genetics (formerly Invitae), Labcorp
Classification: Uncertain significance for Familial adenomatous polyposis 1. Last evaluated: 2018-04-20. Review status: criteria provided, single submitter. Criteria: Invitae Variant Classification Sherloc (09022015). Collection method: clinical testing. Allele origin: germline.
Comment: This variant has not been reported in the literature in individuals with APC-related disease. This variant is not present in population databases (ExAC no frequency). This sequence change replaces alanine with proline at codon 2795 of the APC protein (p.Ala2795Pro). The alanine residue is moderately conserved and there is a small physicochemical difference between alanine and proline. Algorithms developed to predict the effect of missense changes on protein structure and function do not agree on the potential impact of this missense change (SIFT: "Tolerated"; PolyPhen-2: "Possibly Damaging"; Align-GVGD: "Class C0"). In summary, the available evidence is currently insufficient to determine the role of this variant in disease. Therefore, it has been classified as a Variant of Uncertain Significance.

NM_000038.6(APC):c.8383G>C (p.Ala2795Pro)

Gene: APC (APC regulator of Wnt signaling pathway; plus strand). Cytogenetic location: 5q22.2.
Variant type: single nucleotide variant.
Coding change: c.8383G>C on transcript NM_000038.6 (MANE Select); coding-DNA position 8383, G replaced by C.
Protein change: p.Ala2795Pro; replaces alanine 2795 with proline.
Molecular consequence: missense variant.
Genome position (GRCh38, 1-based): chr5:112,843,977, G>C. VCF-style: chr5-112843977-G-C. GRCh37 (hg19) VCF-style: chr5-112179674-G-C.
Other names: c.8383G>C, p.Ala2795Pro (NM_001127510.3, NM_001354895.2); c.8329G>C, p.Ala2777Pro (NM_001127511.3); c.8437G>C, p.Ala2813Pro (NM_001354896.2); c.8413G>C, p.Ala2805Pro (NM_001354897.2); c.8308G>C, p.Ala2770Pro (NM_001354898.2); c.8299G>C, p.Ala2767Pro (NM_001354899.2); c.8260G>C, p.Ala2754Pro (NM_001354900.2); c.8206G>C, p.Ala2736Pro (NM_001354901.2); and 5 more; short protein forms A2795P, A2777P, A2512P, A2635P, A2767P, A2805P, A2813P, A2736P.
Identifiers: ClinVar variation 580485 (VCV000580485.13), dbSNP rs369264968, ClinGen allele CA16039527.